The following is an entry in ClinVar:

NM_001267550.2(TTN):c.52003C>T (p.Arg17335Cys)

Genes: TTN (titin; minus strand), TTN-AS1 (TTN antisense RNA 1; plus strand). Cytogenetic location: 2q31.2.
Variant type: single nucleotide variant.
Coding change: c.52003C>T on transcript NM_001267550.2 (MANE Select); coding-DNA position 52003, C replaced by T.
Protein change: p.Arg17335Cys; replaces arginine 17335 with cysteine.
Molecular consequence: missense variant.
Genome position (GRCh38, 1-based): chr2:178,609,307, G>A on the plus strand (C>T on the coding strand, the complement: TTN is on the minus strand). VCF-style: chr2-178609307-G-A. GRCh37 (hg19) VCF-style: chr2-179474034-G-A.
Other names: c.47080C>T, p.Arg15694Cys (NM_001256850.1); c.24808C>T, p.Arg8270Cys (NM_003319.4); c.44299C>T, p.Arg14767Cys (NM_133378.4); c.25183C>T, p.Arg8395Cys (NM_133432.3); c.25384C>T, p.Arg8462Cys (NM_133437.4); short protein forms R14767C, R15694C, R17335C, R8270C, R8395C, R8462C.
Identifiers: ClinVar variation 2501521 (VCV002501521.2), dbSNP rs763755830, ClinGen allele CA1994081.

ClinVar aggregate classification (germline): Uncertain significance (1 of 4 stars; one submission).

Allele frequency attached by ClinVar (database versions not stated): ExAC 0.00002; gnomAD 0.00002; TOPMed 0.00002.
gnomAD v4.1: 21 of 1,605,948 alleles (0.0013%); highest among the groups gnomAD compares: East Asian, 0.0022%; no homozygotes.

Submission:

GeneDx
Classification: Uncertain significance. Last evaluated: 2024-06-04. Review status: criteria provided, single submitter. Criteria: GeneDx Variant Classification Process June 2021. Collection method: clinical testing. Allele origin: germline. Affected: yes.
Comment: Not observed at significant frequency in large population cohorts (gnomAD); Missense variant in a gene in which most reported pathogenic variants are truncating/loss of function; Has not been previously published as pathogenic or benign to our knowledge